The following is an entry in ClinVar:

NM_003477.3(PDHX):c.1182+245A>G

Gene: PDHX (pyruvate dehydrogenase complex component X; plus strand). Cytogenetic location: 11p13.
Variant type: single nucleotide variant.
Coding change: c.1182+245A>G on transcript NM_003477.3 (MANE Select); 245 bases into the intron after coding-DNA position 1182, A replaced by G.
Molecular consequence: intron variant.
Genome position (GRCh38, 1-based): chr11:34,984,973, A>G. VCF-style: chr11-34984973-A-G. GRCh37 (hg19) VCF-style: chr11-35006520-A-G.
Other names: c.1002+245A>G (NM_001135024.2); c.501+245A>G (NM_001166158.2).
Identifiers: ClinVar variation 673750 (VCV000673750.2), dbSNP rs10488807, ClinGen allele CA220472626.

ClinVar aggregate classification (germline): Benign. Review status: criteria provided, multiple submitters, no conflicts (2 of 4 stars). 2 submissions from 2 submitters: Benign (2). Last evaluated 2018-06-16.

Allele frequency attached by ClinVar (database versions not stated): gnomAD exomes 0.00676; gnomAD 0.04755 and 0.05103; 1000 Genomes Project 0.05451; TOPMed 0.05587; 1000 Genomes Project 30x 0.05840.
gnomAD v4.1: 9,086 of 414,934 alleles (2.2%); highest among the groups gnomAD compares: African/African-American, 16%; 660 homozygotes.

Submissions (2):

GeneDx
Classification: Benign. Last evaluated: 2018-06-16. Review status: criteria provided, single submitter. Criteria: GeneDx Variant Classification (06012015). Collection method: clinical testing. Allele origin: germline. Affected: yes.
Comment: This variant is considered likely benign or benign based on one or more of the following criteria: it is a conservative change, it occurs at a poorly conserved position in the protein, it is predicted to be benign by multiple in silico algorithms, and/or has population frequency not consistent with disease.

Breakthrough Genomics
Classification: Benign. Review status: criteria provided, single submitter. Criteria: ACMG Guidelines, 2015. Collection method: not provided. Allele origin: germline. Inheritance: Autosomal recessive inheritance. Affected: yes.